The following is an entry in ClinVar:

ClinVar aggregate classification (germline): Uncertain significance (1 of 4 stars; one submission).

Conditions:
Multiple endocrine neoplasia, type 1 (MEN1). Also called: MEA I; MEN I; WERMER SYNDROME; Endocrine adenomatosis multiple; MEN 1. Identifiers: Orphanet 652, MedGen C0025267, MeSH D018761, MONDO:0007540, OMIM 131100.

Submission:

Labcorp Genetics (formerly Invitae), Labcorp
Classification: Uncertain significance for Multiple endocrine neoplasia, type 1. Last evaluated: 2025-07-31. Review status: criteria provided, single submitter. Criteria: Invitae Variant Classification Sherloc (09022015). Collection method: clinical testing. Allele origin: germline.
Comment: This sequence change replaces serine, which is neutral and polar, with glycine, which is neutral and non-polar, at codon 427 of the MEN1 protein (p.Ser427Gly). This variant is not present in population databases (gnomAD no frequency). This variant has not been reported in the literature in individuals affected with MEN1-related conditions. Invitae Evidence Modeling of protein sequence and biophysical properties (such as structural, functional, and spatial information, amino acid conservation, physicochemical variation, residue mobility, and thermodynamic stability) indicates that this missense variant is expected to disrupt MEN1 protein function with a positive predictive value of 95%. In summary, the available evidence is currently insufficient to determine the role of this variant in disease. Therefore, it has been classified as a Variant of Uncertain Significance.

NM_001370259.2(MEN1):c.1279A>G (p.Ser427Gly)

Gene: MEN1 (menin 1; minus strand). Cytogenetic location: 11q13.1.
Variant type: single nucleotide variant.
Coding change: c.1279A>G on transcript NM_001370259.2 (MANE Select); coding-DNA position 1279, A replaced by G.
Protein change: p.Ser427Gly; replaces serine 427 with glycine.
Molecular consequence: missense variant. On other transcripts: non-coding transcript variant (4), intron variant (1).
Genome position (GRCh38, 1-based): chr11:64,805,105, T>C on the plus strand (A>G on the coding strand, the complement: MEN1 is on the minus strand). VCF-style: chr11-64805105-T-C. GRCh37 (hg19) VCF-style: chr11-64572577-T-C.
Other names: c.1294A>G, p.Ser432Gly (NM_000244.4, NM_001407145.1, NM_130800.3 and 4 more transcripts); c.1405A>G, p.Ser469Gly (NM_001370251.2, NM_001407142.1, NM_001407143.1 and 1 more transcripts); c.1279A>G, p.Ser427Gly (NM_001370260.2, NM_001370261.2, NM_001407146.1 and 2 more transcripts); c.1174A>G, p.Ser392Gly (NM_001370262.2, NM_001370263.2, NM_001407148.1 and 1 more transcripts); c.1420A>G, p.Ser474Gly (NM_001407150.1); c.1300A>G, p.Ser434Gly (NM_001407151.1); c.1186-289A>G (NM_001407152.1); short protein forms S392G, S427G, S432G, S434G, S469G, S474G.
Identifiers: ClinVar variation 4800419 (VCV004800419.1).
Genomic context (GRCh38, chr11:64,805,105, plus strand): 5'-AACGGCCTAGGGACTGCACAAGAAAGGTGGCCCAGCCCACATGCAGCACAGGCGTGGGAC[T>C]GCCCTCCTCCCATTTGCAGATGCCGTCGTAGAATCGCAGCAGGTGGGCGAAGCACTCAGG-3'
Protein context (NP_001357188.2, residues 417-437): YDGICKWEEG[Ser427Gly]PTPVLHVGWA